The following is an entry in ClinVar:

ClinVar aggregate classification (germline): Likely pathogenic (1 of 4 stars; one submission).

Allele frequency attached by ClinVar (database versions not stated): gnomAD exomes below 0.00001; gnomAD 0.00001.
gnomAD v4.1: 4 of 1,613,974 alleles (0.00025%); highest among the groups gnomAD compares: Admixed American, 0.0033%; no homozygotes.

Submission:

Labcorp Genetics (formerly Invitae), Labcorp
Classification: Likely pathogenic. Last evaluated: 2023-04-26. Review status: criteria provided, single submitter. Criteria: Invitae Variant Classification Sherloc (09022015). Collection method: clinical testing. Allele origin: germline.
Comment: In summary, the currently available evidence indicates that the variant is pathogenic, but additional data are needed to prove that conclusively. Therefore, this variant has been classified as Likely Pathogenic. Algorithms developed to predict the effect of sequence changes on RNA splicing suggest that this variant may disrupt the consensus splice site. This variant has not been reported in the literature in individuals affected with PRUNE1-related conditions. This variant is present in population databases (no rsID available, gnomAD 0.003%). This sequence change affects a donor splice site in intron 1 of the PRUNE1 gene. It is expected to disrupt RNA splicing. Variants that disrupt the donor or acceptor splice site typically lead to a loss of protein function (PMID: 16199547), and loss-of-function variants in PRUNE1 are known to be pathogenic (PMID: 26539891, 29797509).

Literature cited by the submitters: PubMed 16199547; PubMed 26539891; PubMed 29797509.

NM_021222.3(PRUNE1):c.39+1G>T

Gene: PRUNE1 (prune exopolyphosphatase 1; plus strand). Cytogenetic location: 1q21.3.
Variant type: single nucleotide variant.
Coding change: c.39+1G>T on transcript NM_021222.3 (MANE Select); the canonical splice donor site of the intron after coding-DNA position 39, G replaced by T.
Molecular consequence: splice donor variant.
Genome position (GRCh38, 1-based): chr1:151,008,672, G>T. VCF-style: chr1-151008672-G-T. GRCh37 (hg19) VCF-style: chr1-150981148-G-T.
Other names: c.39+1G>T (NM_001303242.2); c.-221+1G>T (NM_001303243.2); c.-305+1G>T (NM_001303229.2).
Identifiers: ClinVar variation 2904135 (VCV002904135.3), dbSNP rs756542737, ClinGen allele CA341902369.